The following is an entry in ClinVar:

ClinVar aggregate classification (germline): Uncertain significance (1 of 4 stars; one submission).

Allele frequency attached by ClinVar (database versions not stated): gnomAD 0.00001; ExAC 0.00002; gnomAD exomes 0.00002 and 0.00004; TOPMed 0.00002; ESP Exome Variant Server 0.00008.
gnomAD v4.1: 29 of 1,613,900 alleles (0.0018%); highest among the groups gnomAD compares: Admixed American, 0.0067%; no homozygotes.

Submission:

Labcorp Genetics (formerly Invitae), Labcorp
Classification: Uncertain significance. Last evaluated: 2022-08-08. Review status: criteria provided, single submitter. Criteria: Invitae Variant Classification Sherloc (09022015). Collection method: clinical testing. Allele origin: germline.
Comment: This sequence change replaces arginine, which is basic and polar, with glutamine, which is neutral and polar, at codon 181 of the EXOSC2 protein (p.Arg181Gln). This variant is present in population databases (rs375878809, gnomAD 0.01%). This variant has not been reported in the literature in individuals affected with EXOSC2-related conditions. ClinVar contains an entry for this variant (Variation ID: 1423550). Algorithms developed to predict the effect of missense changes on protein structure and function are either unavailable or do not agree on the potential impact of this missense change (SIFT: "Deleterious"; PolyPhen-2: "Probably Damaging"; Align-GVGD: "Class C0"). Algorithms developed to predict the effect of sequence changes on RNA splicing suggest that this variant may create or strengthen a splice site. In summary, the available evidence is currently insufficient to determine the role of this variant in disease. Therefore, it has been classified as a Variant of Uncertain Significance.

NM_014285.7(EXOSC2):c.542G>A (p.Arg181Gln)

Gene: EXOSC2 (exosome component 2; plus strand). Cytogenetic location: 9q34.12.
Variant type: single nucleotide variant.
Coding change: c.542G>A on transcript NM_014285.7 (MANE Select); coding-DNA position 542, G replaced by A.
Protein change: p.Arg181Gln; replaces arginine 181 with glutamine.
Molecular consequence: missense variant. On other transcripts: non-coding transcript variant (1).
Genome position (GRCh38, 1-based): chr9:130,702,180, G>A. VCF-style: chr9-130702180-G-A. GRCh37 (hg19) VCF-style: chr9-133577567-G-A.
Other names: c.464G>A, p.Arg155Gln (NM_001282708.1); c.452G>A, p.Arg151Gln (NM_001282709.1); short protein forms R151Q, R155Q, R181Q.
Identifiers: ClinVar variation 1423550 (VCV001423550.3), dbSNP rs375878809, ClinGen allele CA5284913.